The following is an entry in ClinVar:

ClinVar aggregate classification (germline): Uncertain significance (1 of 4 stars; one submission).

Submission:

GeneDx
Classification: Uncertain significance. Last evaluated: 2024-12-12. Review status: criteria provided, single submitter. Criteria: GeneDx Variant Classification Process June 2021. Collection method: clinical testing. Allele origin: germline. Affected: yes.
Comment: Not observed at significant frequency in large population cohorts (gnomAD); In silico analysis indicates that this missense variant does not alter protein structure/function; Has not been previously published as pathogenic or benign to our knowledge

NM_015100.4(POGZ):c.535G>A (p.Gly179Ser)

Gene: POGZ (pogo transposable element derived with ZNF domain; minus strand). Cytogenetic location: 1q21.3.
Variant type: single nucleotide variant.
Coding change: c.535G>A on transcript NM_015100.4 (MANE Select); coding-DNA position 535, G replaced by A.
Protein change: p.Gly179Ser; replaces glycine 179 with serine.
Molecular consequence: missense variant. On other transcripts: intron variant (1).
Genome position (GRCh38, 1-based): chr1:151,429,636, C>T on the plus strand (G>A on the coding strand, the complement: POGZ is on the minus strand). VCF-style: chr1-151429636-C-T. GRCh37 (hg19) VCF-style: chr1-151402112-C-T.
Other names: c.535G>A, p.Gly179Ser (NM_001194937.2); c.376G>A, p.Gly126Ser (NM_001194938.2, NM_207171.2); c.556G>A, p.Gly186Ser (NM_001410860.1); c.284-1223G>A (NM_145796.4); short protein forms G126S, G179S, G186S.
Identifiers: ClinVar variation 3902875 (VCV003902875.1).